The following is an entry in ClinVar:

ClinVar aggregate classification (germline): Likely benign (0 of 4 stars; one submission).

Conditions:
PLIN1-related disorder. Also called: PLIN1-related condition.

Allele frequency attached by ClinVar (database versions not stated): gnomAD 0.00001; TOPMed 0.00001.

Submission:

PreventionGenetics, part of Exact Sciences
Classification: Likely benign for PLIN1-related condition. Last evaluated: 2019-09-26. Review status: no assertion criteria provided. Collection method: clinical testing. Allele origin: germline.
Comment: This variant is classified as likely benign based on ACMG/AMP sequence variant interpretation guidelines (Richards et al. 2015 PMID: 25741868, with internal and published modifications).

NM_002666.5(PLIN1):c.825G>T (p.Arg275=)

Gene: PLIN1 (perilipin 1; minus strand). Cytogenetic location: 15q26.1.
Variant type: single nucleotide variant.
Coding change: c.825G>T on transcript NM_002666.5 (MANE Select); coding-DNA position 825, G replaced by T.
Protein change: p.Arg275=; no amino-acid change (arginine 275 retained).
Molecular consequence: synonymous variant.
Genome position (GRCh38, 1-based): chr15:89,667,740, C>A on the plus strand (G>T on the coding strand, the complement: PLIN1 is on the minus strand). VCF-style: chr15-89667740-C-A. GRCh37 (hg19) VCF-style: chr15-90210971-C-A.
Other names: c.825G>T, p.Arg275= (NM_001145311.2).
Identifiers: ClinVar variation 3053643 (VCV003053643.2), dbSNP rs747053862, ClinGen allele CA7728922.